The following is an entry in ClinVar:

NM_021930.6(RINT1):c.82G>A (p.Glu28Lys)

Gene: RINT1 (RAD50 interactor 1; plus strand). Cytogenetic location: 7q22.3.
Variant type: single nucleotide variant.
Coding change: c.82G>A on transcript NM_021930.6 (MANE Select); coding-DNA position 82, G replaced by A.
Protein change: p.Glu28Lys; replaces glutamic acid 28 with lysine.
Molecular consequence: missense variant. On other transcripts: 5 prime UTR variant (4), non-coding transcript variant (1).
Genome position (GRCh38, 1-based): chr7:105,532,863, G>A. VCF-style: chr7-105532863-G-A. GRCh37 (hg19) VCF-style: chr7-105173310-G-A.
Other names: c.-16G>A (NM_001346599.2); c.-938G>A (NM_001346600.2); c.-841G>A (NM_001346601.2); c.-461G>A (NM_001346603.2); short protein forms E28K.
Identifiers: ClinVar variation 1762825 (VCV001762825.3), dbSNP rs1790088810, ClinGen allele CA368799482.

ClinVar aggregate classification (germline): Uncertain significance (1 of 4 stars; one submission).

Allele frequency attached by ClinVar (database versions not stated): gnomAD exomes below 0.00001.
gnomAD v4.1: 1 of 1,614,166 alleles (0.000062%); highest among the groups gnomAD compares: Non-Finnish European, 0.000085%; no homozygotes.

Submission:

Ambry Genetics
Classification: Uncertain significance. Last evaluated: 2025-08-30. Review status: criteria provided, single submitter. Criteria: Ambry Variant Classification Scheme 2023. Collection method: clinical testing. Allele origin: germline.
Comment: The p.E28K variant (also known as c.82G>A), located in coding exon 2 of the RINT1 gene, results from a G to A substitution at nucleotide position 82. The glutamic acid at codon 28 is replaced by lysine, an amino acid with similar properties. This amino acid position is conserved. In addition, this alteration is predicted to be tolerated by in silico analysis. Since supporting evidence is limited at this time, the clinical significance of this alteration remains unclear.